The following is an entry in ClinVar:

ClinVar aggregate classification (germline): Uncertain significance. Review status: criteria provided, multiple submitters, no conflicts (2 of 4 stars). 2 submissions from 2 submitters: Uncertain significance (2). Last evaluated 2025-02-27.

Conditions:
Multicentric osteolysis nodulosis arthropathy spectrum. Identifiers: Orphanet 3460, Orphanet 371428, MedGen C1850155, MONDO:0018298.

Allele frequency attached by ClinVar (database versions not stated): gnomAD 0.00012 and 0.00011; gnomAD exomes 0.00015 and 0.00005; ExAC 0.00004; ESP Exome Variant Server 0.00008; TOPMed 0.00008.

Submissions (2):

Labcorp Genetics (formerly Invitae), Labcorp
Classification: Uncertain significance. Last evaluated: 2025-02-27. Review status: criteria provided, single submitter. Criteria: Invitae Variant Classification Sherloc (09022015). Collection method: clinical testing. Allele origin: germline.
Comment: This sequence change falls in intron 2 of the MMP2 gene. It does not directly change the encoded amino acid sequence of the MMP2 protein. It affects a nucleotide within the consensus splice site. This variant is present in population databases (rs373244203, gnomAD 0.02%). This variant has not been reported in the literature in individuals affected with MMP2-related conditions. ClinVar contains an entry for this variant (Variation ID: 1032226). Variants that disrupt the consensus splice site are a relatively common cause of aberrant splicing (PMID: 17576681, 9536098). Algorithms developed to predict the effect of sequence changes on RNA splicing suggest that this variant is not likely to affect RNA splicing. In summary, the available evidence is currently insufficient to determine the role of this variant in disease. Therefore, it has been classified as a Variant of Uncertain Significance.

Baylor Genetics
Classification: Uncertain significance for Multicentric osteolysis, nodulosis, and arthropathy. Last evaluated: 2018-04-11. Review status: criteria provided, single submitter. Criteria: ACMG Guidelines, 2015. Collection method: clinical testing. Allele origin: unknown. Affected: yes.
Comment: This variant was determined to be of uncertain significance according to ACMG Guidelines, 2015 [PMID:25741868].

Literature cited by the submitters: PubMed 17576681 (cited by Labcorp Genetics (formerly Invitae), Labcorp); PubMed 9536098 (cited by Labcorp Genetics (formerly Invitae), Labcorp).

NM_004530.6(MMP2):c.380+6G>A

Gene: MMP2 (matrix metallopeptidase 2; plus strand). Cytogenetic location: 16q12.2.
Variant type: single nucleotide variant.
Coding change: c.380+6G>A on transcript NM_004530.6 (MANE Select); 6 bases into the intron after coding-DNA position 380, G replaced by A.
Molecular consequence: intron variant.
Genome position (GRCh38, 1-based): chr16:55,483,141, G>A. VCF-style: chr16-55483141-G-A. GRCh37 (hg19) VCF-style: chr16-55517053-G-A.
Other names: c.152+6G>A (NM_001302508.1, NM_001302510.2, NM_001302509.2); c.230+6G>A (NM_001127891.3).
Identifiers: ClinVar variation 1032226 (VCV001032226.7), dbSNP rs373244203, ClinGen allele CA8060058.
Genomic context (GRCh38, chr16:55,483,141, plus strand): 5'-ACTACAACTTCTTCCCTCGCAAGCCCAAGTGGGACAAGAACCAGATCACATACAGGTGCC[G>A]GGGCAGGGCTTGGGGAGGCAGGGCCATGGGGCTGAGGGACACGAGTCTCCTTGACCCATG-3'